The following is an entry in ClinVar:

NM_004360.5(CDH1):c.1009-13G>T

Gene: CDH1 (cadherin 1; plus strand). Cytogenetic location: 16q22.1.
Variant type: single nucleotide variant.
Coding change: c.1009-13G>T on transcript NM_004360.5 (MANE Select); 13 bases into the intron before coding-DNA position 1009, G replaced by T.
Molecular consequence: intron variant.
Genome position (GRCh38, 1-based): chr16:68,812,122, G>T. VCF-style: chr16-68812122-G-T. GRCh37 (hg19) VCF-style: chr16-68846025-G-T.
Other names: c.-607-13G>T (NM_001317185.2); c.-811-13G>T (NM_001317186.2); c.1009-13G>T (NM_001317184.2).
Identifiers: ClinVar variation 491485 (VCV000491485.12), dbSNP rs557444760, ClinGen allele CA658683951.

ClinVar aggregate classification (germline): Likely benign. Review status: criteria provided, multiple submitters, no conflicts (2 of 4 stars). 3 submissions from 3 submitters: Likely benign (3). Last evaluated 2025-05-27.

Conditions:
Hereditary cancer-predisposing syndrome. Also called: Tumor predisposition; Neoplastic Syndromes, Hereditary; Hereditary Cancer Syndrome; Hereditary neoplastic syndrome. Identifiers: Orphanet 140162, MedGen C0027672, MeSH D009386, MONDO:0015356.
Hereditary diffuse gastric adenocarcinoma (HDGC). Also called: DIFFUSE GASTRIC AND LOBULAR BREAST CANCER SYNDROME. Identifiers: Orphanet 26106, MedGen C1708349, MONDO:0007648, OMIM 137215.

gnomAD v4.1: 3 of 1,613,948 alleles (0.00019%); highest among the groups gnomAD compares: Non-Finnish European, 0.00025%; no homozygotes.

Submissions (3):

Labcorp Genetics (formerly Invitae), Labcorp
Classification: Likely benign for Hereditary diffuse gastric adenocarcinoma. Last evaluated: 2025-05-27. Review status: criteria provided, single submitter. Criteria: Invitae Variant Classification Sherloc (09022015). Collection method: clinical testing. Allele origin: germline.

Myriad Genetics, Inc.
Classification: Likely benign for Hereditary diffuse gastric adenocarcinoma. Last evaluated: 2024-09-17. Review status: criteria provided, single submitter. Criteria: Myriad Autosomal Dominant, Autosomal Recessive and X-Linked Classification Criteria (2023). Collection method: clinical testing. Allele origin: unknown.
Comment: This variant is considered likely benign. This variant is intronic and is not expected to impact mRNA splicing.

Color Diagnostics, LLC DBA Color Health
Classification: Likely benign for Hereditary cancer-predisposing syndrome. Last evaluated: 2017-09-17. Review status: criteria provided, single submitter. Criteria: ACMG Guidelines, 2015. Collection method: clinical testing. Allele origin: germline.